The following is an entry in ClinVar:

NM_032861.4(SERAC1):c.1334C>A (p.Ala445Asp)

Gene: SERAC1 (serine active site containing 1; minus strand). Cytogenetic location: 6q25.3.
Variant type: single nucleotide variant.
Coding change: c.1334C>A on transcript NM_032861.4 (MANE Select); coding-DNA position 1334, C replaced by A.
Protein change: p.Ala445Asp; replaces alanine 445 with aspartic acid.
Molecular consequence: missense variant.
Genome position (GRCh38, 1-based): chr6:158,117,796, G>T on the plus strand (C>A on the coding strand, the complement: SERAC1 is on the minus strand). VCF-style: chr6-158117796-G-T. GRCh37 (hg19) VCF-style: chr6-158538828-G-T.
Other names: c.1334C>A (NM_032861.3); short protein forms A445D.
Identifiers: ClinVar variation 1502341 (VCV001502341.7), dbSNP rs553879407, ClinGen allele CA4071123.
Genomic context (GRCh38, chr6:158,117,796, plus strand): 5'-GGGCACCTTGCTCTCCAGTCGCTGAGGCTGGTGTCATACTCCACAGATATAATTCGGAGA[G>T]CAGGACAGTCTTTTGCTAACCATGTCTAAGTAAAATAAAACATATGTGAGAACAAGTATG-3'
Protein context (NP_116250.3, residues 435-455): PKTWLAKDCP[Ala445Asp]LRIISVEYDT

ClinVar aggregate classification (germline): Uncertain significance. Review status: criteria provided, multiple submitters, no conflicts (2 of 4 stars). 2 submissions from 2 submitters: Uncertain significance (2). Last evaluated 2025-09-25.

Conditions:
3-methylglutaconic aciduria with deafness, encephalopathy, and Leigh-like syndrome (MEGDEL). Also called: 3-METHYLGLUTACONIC ACIDURIA, TYPE VI; SERAC1 Deficiency; MEGDEL syndrome. Identifiers: Orphanet 352328, MedGen C4040739, MONDO:0013875, OMIM 614739.
Inborn genetic diseases. Identifiers: MedGen C0950123, MeSH D030342.

Allele frequency attached by ClinVar (database versions not stated): 1000 Genomes Project 30x 0.00016; 1000 Genomes Project 0.00020.
gnomAD v4.1: 2 of 1,614,040 alleles (0.00012%); highest among the groups gnomAD compares: African/African-American, 0.0027%; no homozygotes.

Submissions (2):

Ambry Genetics
Classification: Uncertain significance for Inborn genetic diseases. Last evaluated: 2025-09-25. Review status: criteria provided, single submitter. Criteria: Ambry Variant Classification Scheme 2023. Collection method: clinical testing. Allele origin: germline.

Labcorp Genetics (formerly Invitae), Labcorp
Classification: Uncertain significance for 3-methylglutaconic aciduria with deafness, encephalopathy, and Leigh-like syndrome. Last evaluated: 2021-12-02. Review status: criteria provided, single submitter. Criteria: Invitae Variant Classification Sherloc (09022015). Collection method: clinical testing. Allele origin: germline.
Comment: In summary, the available evidence is currently insufficient to determine the role of this variant in disease. Therefore, it has been classified as a Variant of Uncertain Significance. Algorithms developed to predict the effect of missense changes on protein structure and function (SIFT, PolyPhen-2, Align-GVGD) all suggest that this variant is likely to be tolerated. This variant has not been reported in the literature in individuals affected with SERAC1-related conditions. This variant is present in population databases (rs553879407, gnomAD 0.01%). This sequence change replaces alanine, which is neutral and non-polar, with aspartic acid, which is acidic and polar, at codon 445 of the SERAC1 protein (p.Ala445Asp).